The following is an entry in ClinVar:

NM_177438.3(DICER1):c.4842A>G (p.Gln1614=)

Gene: DICER1 (dicer 1, ribonuclease III; minus strand). Cytogenetic location: 14q32.13.
Variant type: single nucleotide variant.
Coding change: c.4842A>G on transcript NM_177438.3 (MANE Select); coding-DNA position 4842, A replaced by G.
Protein change: p.Gln1614=; no amino-acid change (glutamine 1614 retained).
Molecular consequence: synonymous variant.
Genome position (GRCh38, 1-based): chr14:95,096,078, T>C on the plus strand (A>G on the coding strand, the complement: DICER1 is on the minus strand). VCF-style: chr14-95096078-T-C. GRCh37 (hg19) VCF-style: chr14-95562415-T-C.
Other names: c.4842A>G, p.Gln1614= (NM_001195573.1, NM_001271282.3, NM_001291628.2 and 1 more transcripts).
Identifiers: ClinVar variation 754137 (VCV000754137.15), dbSNP rs1196873123, ClinGen allele CA487844091.

ClinVar aggregate classification (germline): Benign/Likely benign. Review status: criteria provided, multiple submitters, no conflicts (2 of 4 stars). 3 submissions from 3 submitters: Benign (1); Likely benign (2). Last evaluated 2026-08-18.

Conditions:
Hereditary cancer-predisposing syndrome. Also called: Hereditary neoplastic syndrome; Neoplastic Syndromes, Hereditary; Tumor predisposition; Hereditary Cancer Syndrome. Identifiers: Orphanet 140162, MedGen C0027672, MeSH D009386, MONDO:0015356.
DICER1-related tumor predisposition. Also called: DICER1 syndrome; DICER1-related pleuropulmonary blastoma cancer predisposition syndrome. Identifiers: Orphanet 284343, MedGen C3839822, MONDO:0100216.

Allele frequency attached by ClinVar (database versions not stated): gnomAD 0.00001; TOPMed below 0.00001.

Submissions (3):

Myriad Genetics, Inc.
Classification: Benign for DICER1-related tumor predisposition. Last evaluated: 2026-08-18. Review status: criteria provided, single submitter. Criteria: Myriad Autosomal Dominant, Autosomal Recessive and X-Linked Classification Criteria (2023). Collection method: clinical testing. Allele origin: unknown.
Comment: This variant is considered benign. This variant is a silent/synonymous amino acid change and it is not expected to impact splicing.

Labcorp Genetics (formerly Invitae), Labcorp
Classification: Likely benign for DICER1-related tumor predisposition. Last evaluated: 2025-02-12. Review status: criteria provided, single submitter. Criteria: Invitae Variant Classification Sherloc (09022015). Collection method: clinical testing. Allele origin: germline.

Ambry Genetics
Classification: Likely benign for Hereditary cancer-predisposing syndrome. Last evaluated: 2021-05-28. Review status: criteria provided, single submitter. Criteria: Ambry Variant Classification Scheme 2023. Collection method: clinical testing. Allele origin: germline.